The following is an entry in ClinVar:

NM_004183.4(BEST1):c.399C>G (p.Asn133Lys)

Gene: BEST1 (bestrophin 1; plus strand). Cytogenetic location: 11q12.3.
Variant type: single nucleotide variant.
Coding change: c.399C>G on transcript NM_004183.4 (MANE Select); coding-DNA position 399, C replaced by G.
Protein change: p.Asn133Lys; replaces asparagine 133 with lysine.
Molecular consequence: missense variant. On other transcripts: non-coding transcript variant (1).
Genome position (GRCh38, 1-based): chr11:61,955,869, C>G. VCF-style: chr11-61955869-C-G. GRCh37 (hg19) VCF-style: chr11-61723341-C-G.
Other names: c.219C>G, p.Asn73Lys (NM_001139443.3, NM_001300786.2, NM_001300787.2); c.81C>G, p.Asn27Lys (NM_001363591.3); c.399C>G, p.Asn133Lys (NM_001363592.2); c.-777C>G (NM_001363593.3); short protein forms N133K, N73K, N27K.
Identifiers: ClinVar variation 99718 (VCV000099718.7), dbSNP rs281865233, ClinGen allele CA227775.

ClinVar aggregate classification (germline): Pathogenic/Likely pathogenic. Review status: criteria provided, multiple submitters, no conflicts (2 of 4 stars). 3 submissions from 3 submitters: Pathogenic (1); Likely pathogenic (1). 1 of the submissions does not count toward it. Last evaluated 2024-10-17.

Conditions:
BEST1-related disorder. Also called: BEST1-related disorders; BEST1-related condition. Identifiers: MedGen CN239200.

Allele frequency attached by ClinVar (database versions not stated): TOPMed below 0.00001; gnomAD 0.00001.
gnomAD v4.1: 1 of 1,550,496 alleles (0.000064%); highest among the groups gnomAD compares: Non-Finnish European, 0.000087%; no homozygotes.

Submissions (3):

Labcorp Genetics (formerly Invitae), Labcorp
Classification: Pathogenic. Last evaluated: 2024-10-17. Review status: criteria provided, single submitter. Criteria: Invitae Variant Classification Sherloc (09022015). Collection method: clinical testing. Allele origin: germline.
Comment: This sequence change replaces asparagine, which is neutral and polar, with lysine, which is basic and polar, at codon 133 of the BEST1 protein (p.Asn133Lys). This variant is not present in population databases (gnomAD no frequency). This missense change has been observed in individuals with Best disease (PMID: 10798642; internal data). ClinVar contains an entry for this variant (Variation ID: 99718). Invitae Evidence Modeling of protein sequence and biophysical properties (such as structural, functional, and spatial information, amino acid conservation, physicochemical variation, residue mobility, and thermodynamic stability) indicates that this missense variant is expected to disrupt BEST1 protein function with a positive predictive value of 95%. This variant disrupts the p.Asn133 amino acid residue in BEST1. Other variant(s) that disrupt this residue have been determined to be pathogenic (PMID: 21273940; internal data). This suggests that this residue is clinically significant, and that variants that disrupt this residue are likely to be disease-causing. For these reasons, this variant has been classified as Pathogenic.

Blueprint Genetics
Classification: Likely pathogenic for BEST1-related disorders. Last evaluated: 2019-06-18. Review status: criteria provided, single submitter. Criteria: ACMG Guidelines, 2015. Collection method: clinical testing. Allele origin: germline. Affected: yes. Observed: 1 variant allele.

Retina International
No classification provided. Review status: no classification provided. Collection method: not provided. Allele origin: not provided. Not counted in ClinVar's aggregate classification.

Literature cited by the submitters: PubMed 10798642 (cited by Labcorp Genetics (formerly Invitae), Labcorp); PubMed 21273940 (cited by Labcorp Genetics (formerly Invitae), Labcorp).